The following is an entry in ClinVar:

ClinVar aggregate classification (germline): Likely pathogenic (1 of 4 stars; one submission).

Conditions:
3M syndrome 2. Also called: THREE M SYNDROME 2; 3-M Syndrome, OBSL1-Related. Identifiers: Orphanet 2616, MedGen C2752041, MONDO:0013039, OMIM 612921.

Submission:

Women's Health and Genetics/Laboratory Corporation of America, LabCorp
Classification: Likely pathogenic for 3M syndrome 2. Last evaluated: 2024-09-09. Review status: criteria provided, single submitter. Criteria: LabCorp Variant Classification Summary - May 2015. Collection method: clinical testing. Allele origin: germline.
Comment: Variant summary: OBSL1 c.2134+2T>C is located in a canonical splice-site and is predicted to affect mRNA splicing resulting in a significantly altered protein due to either exon skipping, shortening, or inclusion of intronic material. Variants that disrupt the consensus splice site are a relatively common cause of aberrant splicing and loss of OBSL1 function. Several computational tools predict a significant impact on normal splicing: Three predict the variant abolishes a 5' splicing donor site. One predict the variant no significant impact on splicing. However, these predictions have yet to be confirmed by functional studies. The variant was absent in 232006 control chromosomes. To our knowledge, no occurrence of c.2134+2T>C in individuals affected with Three M Syndrome 2 and no experimental evidence demonstrating its impact on protein function have been reported. No submitters have cited clinical-significance assessments for this variant to ClinVar. Based on the evidence outlined above, the variant was classified as likely pathogenic.

NM_015311.3(OBSL1):c.2134+2T>C

Gene: OBSL1 (obscurin like cytoskeletal adaptor 1; minus strand). Cytogenetic location: 2q35.
Variant type: single nucleotide variant.
Coding change: c.2134+2T>C on transcript NM_015311.3 (MANE Select); the canonical splice donor site of the intron after coding-DNA position 2134, T replaced by C.
Molecular consequence: splice donor variant.
Genome position (GRCh38, 1-based): chr2:219,566,828, A>G on the plus strand (T>C on the coding strand, the complement: OBSL1 is on the minus strand). VCF-style: chr2-219566828-A-G. GRCh37 (hg19) VCF-style: chr2-220431550-A-G.
Other names: c.2134+2T>C (NM_001173431.2, NM_001173408.2).
Identifiers: ClinVar variation 3374954 (VCV003374954.1).